The following is an entry in ClinVar:

NM_000245.4(MET):c.471G>C (p.Glu157Asp)

Gene: MET (MET proto-oncogene, receptor tyrosine kinase; plus strand). Cytogenetic location: 7q31.2.
Variant type: single nucleotide variant.
Coding change: c.471G>C on transcript NM_000245.4 (MANE Select); coding-DNA position 471, G replaced by C.
Protein change: p.Glu157Asp; replaces glutamic acid 157 with aspartic acid.
Molecular consequence: missense variant. On other transcripts: intron variant (1).
Genome position (GRCh38, 1-based): chr7:116,699,555, G>C. VCF-style: chr7-116699555-G-C. GRCh37 (hg19) VCF-style: chr7-116339609-G-C.
Other names: c.471G>C, p.Glu157Asp (NM_001127500.3, NM_001324401.3); c.-91+26978G>C (NM_001324402.2); short protein forms E157D.
Identifiers: ClinVar variation 825122 (VCV000825122.11), dbSNP rs1451799154, ClinGen allele CA368969153.

ClinVar aggregate classification (germline): Conflicting classifications of pathogenicity. Review status: criteria provided, conflicting classifications (1 of 4 stars). 2 submissions from 2 submitters: Uncertain significance (1); Likely benign (1). Last evaluated 2026-06-02.

Conditions:
Renal cell carcinoma. Identifiers: Orphanet 217071, MedGen C0007134, MeSH D002292, MONDO:0005086, HP:0005584.
Hereditary cancer-predisposing syndrome. Also called: Tumor predisposition; Neoplastic Syndromes, Hereditary; Hereditary neoplastic syndrome; Hereditary Cancer Syndrome. Identifiers: Orphanet 140162, MedGen C0027672, MeSH D009386, MONDO:0015356.

Allele frequency attached by ClinVar (database versions not stated): gnomAD exomes below 0.00001.
gnomAD v4.1: 2 of 1,614,044 alleles (0.00012%); highest among the groups gnomAD compares: South Asian, 0.0011%; no homozygotes.

Submissions (2):

Ambry Genetics
Classification: Likely benign for Hereditary cancer-predisposing syndrome. Last evaluated: 2026-06-02. Review status: criteria provided, single submitter. Criteria: Ambry Variant Classification Scheme 2023. Collection method: clinical testing. Allele origin: germline.

Labcorp Genetics (formerly Invitae), Labcorp
Classification: Uncertain significance for Renal cell carcinoma. Last evaluated: 2024-04-24. Review status: criteria provided, single submitter. Criteria: Invitae Variant Classification Sherloc (09022015). Collection method: clinical testing. Allele origin: germline.
Comment: This sequence change replaces glutamic acid, which is acidic and polar, with aspartic acid, which is acidic and polar, at codon 157 of the MET protein (p.Glu157Asp). This variant is not present in population databases (gnomAD no frequency). This variant has not been reported in the literature in individuals affected with MET-related conditions. ClinVar contains an entry for this variant (Variation ID: 825122). Advanced modeling of protein sequence and biophysical properties (such as structural, functional, and spatial information, amino acid conservation, physicochemical variation, residue mobility, and thermodynamic stability) performed at Invitae indicates that this missense variant is not expected to disrupt MET protein function with a negative predictive value of 80%. In summary, the available evidence is currently insufficient to determine the role of this variant in disease. Therefore, it has been classified as a Variant of Uncertain Significance.